The following is an entry in ClinVar:

ClinVar aggregate classification (germline): Pathogenic (1 of 4 stars; one submission).

Submission:

Baylor Genetics
Classification: Pathogenic. Last evaluated: 2018-11-01. Review status: criteria provided, single submitter. Criteria: ACMG CNV Guidelines, 2011. Collection method: clinical testing. Allele origin: germline. Affected: yes. Observed: 1 variant allele.
Comment: Deletions involving this region have been previously reported in patients with developmental and behavioral disorders, seizures, eye manifestations, and obesity (PMID:22617346)

GRCh37/hg19 18q12.2(chr18:33554981-36939357)

Genes: C18orf21 (chromosome 18 open reading frame 21; plus strand), CELF4 (CUGBP Elav-like family member 4; minus strand), ELP2 (elongator acetyltransferase complex subunit 2; plus strand), FHOD3 (formin homology 2 domain containing 3; plus strand), KIAA1328 (KIAA1328; plus strand) and 4 more. Cytogenetic location: 18q12.2.
Variant type: copy number loss.
Identifiers: ClinVar variation 625733 (VCV000625733.1).